The following is an entry in ClinVar:

ClinVar aggregate classification (germline): Benign. Review status: criteria provided, multiple submitters, no conflicts (2 of 4 stars). 3 submissions from 3 submitters: Benign (3). Last evaluated 2026-02-03.

Conditions:
Hereditary hyperekplexia. Identifiers: Orphanet 3197, MedGen C4084968, MONDO:0021022.
Hyperekplexia 1 (STHE). Also called: HYPEREKPLEXIA 1, AUTOSOMAL DOMINANT; HYPEREKPLEXIA 1, AUTOSOMAL RECESSIVE; EXAGGERATED STARTLE REACTION; KOK DISEASE; STARTLE DISEASE, FAMILIAL; STIFF-BABY SYNDROME. Identifiers: Orphanet 3197, MedGen C4551954, MONDO:0007868, OMIM 149400.

Allele frequency attached by ClinVar (database versions not stated): gnomAD exomes 0.00590 and 0.00230; ExAC 0.00747; gnomAD 0.02361 and 0.02490; TOPMed 0.02685; ESP Exome Variant Server 0.02745; 1000 Genomes Project 0.03435; 1000 Genomes Project 30x 0.03638.
gnomAD v4.1: 7,102 of 1,614,090 alleles (0.44%); highest among the groups gnomAD compares: African/African-American, 8.3%; 272 homozygotes.

Submissions (3):

Labcorp Genetics (formerly Invitae), Labcorp
Classification: Benign for Hereditary hyperekplexia. Last evaluated: 2026-02-03. Review status: criteria provided, single submitter. Criteria: Invitae Variant Classification Sherloc (09022015). Collection method: clinical testing. Allele origin: germline.

GeneDx
Classification: Benign. Last evaluated: 2018-09-11. Review status: criteria provided, single submitter. Criteria: GeneDx Variant Classification Process June 2021. Collection method: clinical testing. Allele origin: germline. Affected: yes.

Illumina Laboratory Services, Illumina
Classification: Benign for Hyperekplexia 1. Last evaluated: 2018-01-13. Review status: criteria provided, single submitter. Criteria: ICSL Variant Classification Criteria 13 December 2019. Collection method: clinical testing. Allele origin: germline.
Comment: This variant was observed in the ICSL laboratory as part of a predisposition screen in an ostensibly healthy population. It had not been previously curated by ICSL or reported in the Human Gene Mutation Database (HGMD: prior to June 1st, 2018), and was therefore a candidate for classification through an automated scoring system. Utilizing variant allele frequency, disease prevalence and penetrance estimates, and inheritance mode, an automated score was calculated to assess if this variant is too frequent to cause the disease. Based on the score and internal cut-off values, a variant classified as benign is not then subjected to further curation. The score for this variant resulted in a classification of benign for this disease.

NM_000171.4(GLRA1):c.1224C>T (p.Phe408=)

Gene: GLRA1 (glycine receptor alpha 1; minus strand). Cytogenetic location: 5q33.1.
Variant type: single nucleotide variant.
Coding change: c.1224C>T on transcript NM_000171.4 (MANE Select); coding-DNA position 1224, C replaced by T.
Protein change: p.Phe408=; no amino-acid change (phenylalanine 408 retained).
Molecular consequence: synonymous variant.
Genome position (GRCh38, 1-based): chr5:151,822,799, G>A on the plus strand (C>T on the coding strand, the complement: GLRA1 is on the minus strand). VCF-style: chr5-151822799-G-A. GRCh37 (hg19) VCF-style: chr5-151202360-G-A.
Other names: c.1248C>T, p.Phe416= (NM_001146040.2); c.975C>T, p.Phe325= (NM_001292000.2).
Identifiers: ClinVar variation 352306 (VCV000352306.18), dbSNP rs62636580, ClinGen allele CA3523477.